The following is an entry in ClinVar:

ClinVar aggregate classification (germline): Likely benign (1 of 4 stars; one submission).

Allele frequency attached by ClinVar (database versions not stated): 1000 Genomes Project 30x 0.00031; ESP Exome Variant Server 0.00038; 1000 Genomes Project 0.00040.
gnomAD v4.1: 1,002 of 1,604,350 alleles (0.062%); highest among the groups gnomAD compares: Non-Finnish European, 0.08%; 2 homozygotes.

Submission:

CeGaT Center for Human Genetics Tuebingen
Classification: Likely benign. Last evaluated: 2022-09-01. Review status: criteria provided, single submitter. Criteria: CeGaT Center For Human Genetics Tuebingen Variant Classification Criteria Version 2. Collection method: clinical testing. Allele origin: germline. Affected: yes. Observed: 1 variant allele.
Comment: RFNG: BP4, BS2

NM_002917.2(RFNG):c.663-4C>G

Gene: RFNG (RFNG O-fucosylpeptide 3-beta-N-acetylglucosaminyltransferase; minus strand). Cytogenetic location: 17q25.3.
Variant type: single nucleotide variant.
Coding change: c.663-4C>G on transcript NM_002917.2 (MANE Select); 4 bases into the intron before coding-DNA position 663, C replaced by G.
Molecular consequence: intron variant.
Genome position (GRCh38, 1-based): chr17:82,049,846, G>C on the plus strand (C>G on the coding strand, the complement: RFNG is on the minus strand). VCF-style: chr17-82049846-G-C. GRCh37 (hg19) VCF-style: chr17-80007722-G-C.
Identifiers: ClinVar variation 2648481 (VCV002648481.24), dbSNP rs200651785, ClinGen allele CA8849111.